The following is an entry in ClinVar:

ClinVar aggregate classification (germline): Pathogenic (1 of 4 stars; one submission).

Submission:

GeneDx
Classification: Pathogenic. Last evaluated: 2025-09-19. Review status: criteria provided, single submitter. Criteria: GeneDx Variant Classification Process June 2021. Collection method: clinical testing. Allele origin: germline.
Comment: Canonical splice site variant predicted to result in an in-frame deletion of a critical region; Not observed at significant frequency in large population cohorts (gnomAD); Has not been previously published as pathogenic or benign to our knowledge

NM_001080517.3(SETD5):c.1782+1del

Gene: SETD5 (SET domain containing 5; plus strand). Cytogenetic location: 3p25.3.
Variant type: Deletion.
Coding change: c.1782+1del on transcript NM_001080517.3 (MANE Select); the canonical splice donor site of the intron after coding-DNA position 1782, one base deleted (G; older notation c.1782+1delG).
Molecular consequence: splice donor variant.
Genome position (GRCh38, 1-based): chr3:9,447,308, G deleted; the last of 4 consecutive G bases (chr3:9,447,305-9,447,308); deleting any one gives the same sequence. VCF-style (leftmost placement, unchanged base first): chr3-9447304-AG-A. GRCh37 (hg19) VCF-style: chr3-9488988-AG-A.
Other names: c.1488+1del (NM_001349451.2, NM_001292043.2).
Identifiers: ClinVar variation 4056832 (VCV004056832.2).